The following is an entry in ClinVar:

NM_007294.4(BRCA1):c.3257T>C (p.Leu1086Ser)

Genes: BRCA1 (BRCA1 DNA repair associated; minus strand), LOC126862571 (BRD4-independent group 4 enhancer GRCh37_chr17:41243136-41244335; plus strand). Cytogenetic location: 17q21.31.
Variant type: single nucleotide variant.
Coding change: c.3257T>C on transcript NM_007294.4 (MANE Select); coding-DNA position 3257, T replaced by C.
Protein change: p.Leu1086Ser; replaces leucine 1086 with serine.
Molecular consequence: missense variant. On other transcripts: intron variant (137).
Genome position (GRCh38, 1-based): chr17:43,092,274, A>G on the plus strand (T>C on the coding strand, the complement: BRCA1 is on the minus strand). VCF-style: chr17-43092274-A-G. GRCh37 (hg19) VCF-style: chr17-41244291-A-G.
Other names: c.3044T>C, p.Leu1015Ser (NM_001407571.1, NM_001407853.1, NM_001407894.1 and 9 more transcripts); c.3257T>C, p.Leu1086Ser (NM_001407581.1, NM_001407582.1, NM_001407583.1 and 30 more transcripts); c.3254T>C, p.Leu1085Ser (NM_001407587.1, NM_001407590.1, NM_001407591.1 and 22 more transcripts); c.3248T>C, p.Leu1083Ser (NM_001407646.1, NM_001407647.1); c.3134T>C, p.Leu1045Ser (NM_001407648.1, NM_001407664.1, NM_001407665.1 and 19 more transcripts); c.3131T>C, p.Leu1044Ser (NM_001407649.1, NM_001407670.1, NM_001407671.1 and 11 more transcripts); c.3179T>C, p.Leu1060Ser (NM_001407653.1, NM_001407654.1, NM_001407655.1 and 4 more transcripts); c.3176T>C, p.Leu1059Ser (NM_001407659.1, NM_001407660.1, NM_001407661.1 and 1 more transcripts); and 41 more; short protein forms L1086S, L1039S, L1015S, L1038S, L1060S, L1019S, L1044S, L1083S.
Identifiers: ClinVar variation 54809 (VCV000054809.7), dbSNP rs80357006, ClinGen allele CA002107.
Genomic context (GRCh38, chr17:43,092,274, plus strand): 5'-GGATGCTTACAATTACTTCCAGGAAGACTTTGTTTATAGACCTCAGGTTGCAAAACCCCT[A>G]ATCTAAGCATAGCATTCAATTTTGGCCCTCTGTTTCTACCTAGTTCTGCTTGAATGTTTT-3'
Protein context (NP_009225.1, residues 1076-1096): RGPKLNAMLR[Leu1086Ser]GVLQPEVYKQ

ClinVar aggregate classification (germline): Conflicting classifications of pathogenicity. Review status: criteria provided, conflicting classifications (1 of 4 stars). 3 submissions from 3 submitters: Uncertain significance (1); Likely benign (1). 1 of the submissions does not count toward it. Last evaluated 2023-06-04.

Conditions:
Hereditary cancer-predisposing syndrome. Also called: Tumor predisposition; Neoplastic Syndromes, Hereditary; Hereditary Cancer Syndrome; Hereditary neoplastic syndrome. Identifiers: Orphanet 140162, MedGen C0027672, MeSH D009386, MONDO:0015356.
Breast-ovarian cancer, familial, susceptibility to, 1 (BROVCA1). Also called: OVARIAN CANCER, SUSCEPTIBILITY TO; BRCA1 Hereditary Breast and Ovarian Cancer. Identifiers: Orphanet 145, MedGen C2676676, MONDO:0011450, OMIM 604370. Disease mechanism: loss of function.

Allele frequency attached by ClinVar (database versions not stated): TOPMed below 0.00001; gnomAD exomes 0.00001; ExAC 0.00003.
gnomAD v4.1: 7 of 1,613,812 alleles (0.00043%); highest among the groups gnomAD compares: Non-Finnish European, 0.00017%; no homozygotes.

Submissions (3):

Ambry Genetics
Classification: Uncertain significance for Hereditary cancer-predisposing syndrome. Last evaluated: 2023-06-04. Review status: criteria provided, single submitter. Criteria: Ambry Variant Classification Scheme 2023. Collection method: clinical testing. Allele origin: germline.
Comment: The p.L1086S variant (also known as c.3257T>C), located in coding exon 9 of the BRCA1 gene, results from a T to C substitution at nucleotide position 3257. The leucine at codon 1086 is replaced by serine, an amino acid with dissimilar properties. This amino acid position is not well conserved in available vertebrate species. In addition, the in silico prediction for this alteration is inconclusive. Since supporting evidence is limited at this time, the clinical significance of this alteration remains unclear.

University of Washington Department of Laboratory Medicine, University of Washington
Classification: Likely benign for Hereditary cancer-predisposing syndrome. Last evaluated: 2023-03-23. Review status: criteria provided, single submitter. Criteria: Dines et al. (Genet Med. 2020). Collection method: curation. Allele origin: germline.
Comment: Missense variant in a coldspot region where missense variants are very unlikely to be pathogenic (PMID:31911673).

BRCA1 coldspot (exon 11 using historical exon numbering). Reclassification based on statistical prior probability

Breast Cancer Information Core (BIC) (BRCA1)
Classification: Uncertain significance for Breast-ovarian cancer, familial 1. Last evaluated: 2004-02-20. Review status: no assertion criteria provided. Collection method: clinical testing. Allele origin: germline. Affected: yes. Observed: 1 variant allele. Not counted in ClinVar's aggregate classification.